The following is an entry in ClinVar:

NM_175914.5(HNF4A):c.1063+5G>A

Gene: HNF4A (hepatocyte nuclear factor 4 alpha; plus strand). Cytogenetic location: 20q13.12.
Variant type: single nucleotide variant.
Coding change: c.1063+5G>A on transcript NM_175914.5 (MANE Select); 5 bases into the intron after coding-DNA position 1063, G replaced by A.
Molecular consequence: intron variant. On other transcripts: synonymous variant (3).
Genome position (GRCh38, 1-based): chr20:44,424,259, G>A. VCF-style: chr20-44424259-G-A. GRCh37 (hg19) VCF-style: chr20-43052899-G-A.
Other names: c.1068G>A, p.Pro356= (NM_001030004.3); c.1059G>A, p.Pro353= (NM_001287184.2); c.1134G>A, p.Pro378= (NM_178850.3); c.1054+5G>A (NM_001287182.2, NM_001287183.2); c.1063+5G>A (NM_001030003.3); c.1108+5G>A (NM_001258355.2); c.1129+5G>A (NM_178849.3, NM_000457.6).
Identifiers: ClinVar variation 2995046 (VCV002995046.4), dbSNP rs745742092, ClinGen allele CA9870438.

ClinVar aggregate classification (germline): Uncertain significance (1 of 4 stars; one submission).

Allele frequency attached by ClinVar (database versions not stated): gnomAD 0.00001; ExAC 0.00002; gnomAD exomes 0.00002.
gnomAD v4.1: 28 of 1,613,566 alleles (0.0017%); highest among the groups gnomAD compares: East Asian, 0.0045%; no homozygotes.

Submissions (2):

Labcorp Genetics (formerly Invitae), Labcorp
Classification: Uncertain significance. Last evaluated: 2023-11-17. Review status: criteria provided, single submitter. Criteria: Invitae Variant Classification Sherloc (09022015). Collection method: clinical testing. Allele origin: germline.
Comment: This sequence change falls in intron 8 of the HNF4A gene. It does not directly change the encoded amino acid sequence of the HNF4A protein. It affects a nucleotide within the consensus splice site. This variant is present in population databases (rs745742092, gnomAD 0.008%). This variant has not been reported in the literature in individuals affected with HNF4A-related conditions. Variants that disrupt the consensus splice site are a relatively common cause of aberrant splicing (PMID: 17576681, 9536098). Algorithms developed to predict the effect of sequence changes on RNA splicing suggest that this variant may disrupt the consensus splice site. In summary, the available evidence is currently insufficient to determine the role of this variant in disease. Therefore, it has been classified as a Variant of Uncertain Significance.

Dr. Peter K. Rogan Lab, Western University
No classification provided (evidence only). Condition: Colon adenocarcinoma. Review status: no classification provided. Collection method: in vitro. Allele origin: not applicable. Functional consequence: skipped exon, retained intron. Not counted in ClinVar's aggregate classification.

Literature cited by the submitters: PubMed 17576681 (cited by Labcorp Genetics (formerly Invitae), Labcorp); PubMed 9536098 (cited by Labcorp Genetics (formerly Invitae), Labcorp).